The following is an entry in ClinVar:

ClinVar aggregate classification (germline): Uncertain significance (1 of 4 stars; one submission).

Submission:

GeneDx
Classification: Uncertain significance. Last evaluated: 2019-03-29. Review status: criteria provided, single submitter. Criteria: GeneDx Variant Classification Process June 2021. Collection method: clinical testing. Allele origin: germline. Affected: yes.
Comment: Frameshift variant predicted to result in protein truncation or nonsense mediated decay in a gene for which loss-of-function is not a known mechanism of disease; Has not been previously published as pathogenic or benign to our knowledge; Not observed in large population cohorts (Lek et al., 2016)

NM_005208.5(CRYBA1):c.147del (p.Ser50fs)

Gene: CRYBA1 (crystallin beta A1; plus strand). Cytogenetic location: 17q11.2.
Variant type: Deletion.
Coding change: c.147del on transcript NM_005208.5 (MANE Select); coding-DNA position 147, one base deleted (C; older notation c.147delC).
Protein change: p.Ser50fs; shifts the reading frame from serine 50.
Molecular consequence: frameshift variant.
Genome position (GRCh38, 1-based): chr17:29,250,232, C deleted; the last of 2 consecutive C bases (chr17:29,250,231-29,250,232); deleting either gives the same sequence. VCF-style (leftmost placement, unchanged base first): chr17-29250230-AC-A. GRCh37 (hg19) VCF-style: chr17-27577248-AC-A.
Other names: short protein forms S50fs.
Identifiers: ClinVar variation 1203157 (VCV001203157.3), dbSNP rs2153009504, ClinGen allele CA2499223956.